The following is an entry in ClinVar:

NM_015335.5(MED13L):c.5029G>T (p.Val1677Phe)

Gene: MED13L (mediator complex subunit 13L; minus strand). Cytogenetic location: 12q24.21.
Variant type: single nucleotide variant.
Coding change: c.5029G>T on transcript NM_015335.5 (MANE Select); coding-DNA position 5029, G replaced by T.
Protein change: p.Val1677Phe; replaces valine 1677 with phenylalanine.
Molecular consequence: missense variant.
Genome position (GRCh38, 1-based): chr12:115,982,530, C>A on the plus strand (G>T on the coding strand, the complement: MED13L is on the minus strand). VCF-style: chr12-115982530-C-A. GRCh37 (hg19) VCF-style: chr12-116420335-C-A.
Other names: short protein forms V1677F.
Identifiers: ClinVar variation 3124932 (VCV003124932.2), dbSNP rs1877399404, ClinGen allele CA386881312.

ClinVar aggregate classification (germline): Uncertain significance. Review status: criteria provided, single submitter (1 of 4 stars). 2 submissions from 2 submitters: Uncertain significance (1). 1 of the submissions does not count toward it. Last evaluated 2023-12-22.

Conditions:
MED13L-related disorder. Also called: MED13L-related condition.
Inborn genetic diseases. Identifiers: MedGen C0950123, MeSH D030342.

Allele frequency attached by ClinVar (database versions not stated): TOPMed 0.00001.

Submissions (2):

Ambry Genetics
Classification: Uncertain significance for Inborn genetic diseases. Last evaluated: 2023-12-22. Review status: criteria provided, single submitter. Criteria: Ambry Variant Classification Scheme 2023. Collection method: clinical testing. Allele origin: germline.
Comment: The c.5029G>T (p.V1677F) alteration is located in exon 22 (coding exon 22) of the MED13L gene. This alteration results from a G to T substitution at nucleotide position 5029, causing the valine (V) at amino acid position 1677 to be replaced by a phenylalanine (F). This variant was not reported in population-based cohorts in the Genome Aggregation Database (gnomAD). This amino acid position is well conserved in available vertebrate species. The in silico prediction for this alteration is inconclusive. Based on insufficient or conflicting evidence, the clinical significance of this alteration remains unclear.

PreventionGenetics, part of Exact Sciences
Classification: Uncertain significance for MED13L-related condition. Last evaluated: 2024-08-18. Review status: no assertion criteria provided. Collection method: clinical testing. Allele origin: germline. Not counted in ClinVar's aggregate classification.
Comment: The MED13L c.5029G>T variant is predicted to result in the amino acid substitution p.Val1677Phe. To our knowledge, this variant has not been reported in the literature or in a large population database, indicating this variant is rare. At this time, the clinical significance of this variant is uncertain due to the absence of conclusive functional and genetic evidence.